The following is an entry in ClinVar:

NM_005529.7(HSPG2):c.3945T>C (p.Ser1315=)

Gene: HSPG2 (heparan sulfate proteoglycan 2; minus strand). Cytogenetic location: 1p36.12.
Variant type: single nucleotide variant.
Coding change: c.3945T>C on transcript NM_005529.7 (MANE Select); coding-DNA position 3945, T replaced by C.
Protein change: p.Ser1315=; no amino-acid change (serine 1315 retained).
Molecular consequence: synonymous variant.
Genome position (GRCh38, 1-based): chr1:21,872,704, A>G on the plus strand (T>C on the coding strand, the complement: HSPG2 is on the minus strand). VCF-style: chr1-21872704-A-G. GRCh37 (hg19) VCF-style: chr1-22199197-A-G.
Other names: c.3948T>C, p.Ser1316= (NM_001291860.2).
Identifiers: ClinVar variation 295851 (VCV000295851.55), dbSNP rs72866991, ClinGen allele CA672416.
Genomic context (GRCh38, chr1:21,872,704, plus strand): 5'-GGCGCACTGCTGGGTGATGCCCATACAGAAGCAGGGCAGGCAGCCGTCTGGGTTGCTGGC[A>G]CTCAGGTGGAAGTGGTGGGGCCGGCAGTGGCTGCAAGTGAGGCCTTCCACCTGGGCCTGG-3'
Protein context (NP_005520.4, residues 1305-1325): SHCRPHHFHL[Ser1315=]ASNPDGCLPC

ClinVar aggregate classification (germline): Conflicting classifications of pathogenicity. Review status: criteria provided, conflicting classifications (1 of 4 stars). 9 submissions from 8 submitters: Uncertain significance (1); Benign (3); Likely benign (5). Last evaluated 2026-02-01.

Conditions:
Connective tissue disorder. Also called: Connective tissue disease. Identifiers: MedGen C0009782, MONDO:0003900.
Schwartz-Jampel syndrome. Also called: Myotonic myopathy dwarfism chondrodystrophy and ocular and facial abnormalities. Identifiers: Orphanet 800, MedGen C0036391, MONDO:0009717.
Lethal Kniest-like syndrome (DDSH). Also called: Dyssegmental Dysplasia. Identifiers: Orphanet 1865, MedGen C1857100, MONDO:0009140, OMIM 224410.

Allele frequency attached by ClinVar (database versions not stated): gnomAD exomes 0.00025 and 0.00046; ExAC 0.00063; ESP Exome Variant Server 0.00192; gnomAD 0.00227 and 0.00243; 1000 Genomes Project 0.00240; TOPMed 0.00247; 1000 Genomes Project 30x 0.00250.
gnomAD v4.1: 738 of 1,609,114 alleles (0.046%); highest among the groups gnomAD compares: African/African-American, 0.85%; 6 homozygotes.

Submissions (9):

CeGaT Center for Human Genetics Tuebingen
Classification: Likely benign. Last evaluated: 2026-02-01. Review status: criteria provided, single submitter. Criteria: CeGaT Center For Human Genetics Tuebingen Variant Classification Criteria Version 2. Collection method: clinical testing. Allele origin: germline. Affected: yes. Observed: 2 variant alleles.
Comment: HSPG2: BP4, BP7

Labcorp Genetics (formerly Invitae), Labcorp
Classification: Benign. Last evaluated: 2026-01-26. Review status: criteria provided, single submitter. Criteria: Invitae Variant Classification Sherloc (09022015). Collection method: clinical testing. Allele origin: germline.

Blueprint Genetics
Classification: Likely benign. Last evaluated: 2024-11-01. Review status: criteria provided, single submitter. Criteria: ACMG Guidelines, 2015. Collection method: clinical testing. Allele origin: germline.

ARUP Laboratories, Molecular Genetics and Genomics, ARUP Laboratories
Classification: Benign. Last evaluated: 2024-01-26. Review status: criteria provided, single submitter. Criteria: ARUP Molecular Germline Variant Investigation Process 2024. Collection method: clinical testing. Allele origin: germline.

GeneDx
Classification: Likely benign. Last evaluated: 2020-05-19. Review status: criteria provided, single submitter. Criteria: GeneDx Variant Classification Process June 2021. Collection method: clinical testing. Allele origin: germline. Affected: yes.

Genome Diagnostics Laboratory, The Hospital for Sick Children
Classification: Uncertain significance for Connective tissue disorder. Last evaluated: 2019-08-01. Review status: criteria provided, single submitter. Criteria: ACMG Guidelines, 2015. Collection method: clinical testing. Allele origin: germline.

Illumina Laboratory Services, Illumina
Classification: Likely benign for Lethal Kniest-like syndrome. Last evaluated: 2018-01-13. Review status: criteria provided, single submitter. Criteria: ICSL Variant Classification Criteria 13 December 2019. Collection method: clinical testing. Allele origin: germline.
Comment: This variant was observed in the ICSL laboratory as part of a predisposition screen in an ostensibly healthy population. It had not been previously curated by ICSL or reported in the Human Gene Mutation Database (HGMD: prior to June 1st, 2018), and was therefore a candidate for classification through an automated scoring system. Utilizing variant allele frequency, disease prevalence and penetrance estimates, and inheritance mode, an automated score was calculated to assess if this variant is too frequent to cause the disease. Based on the score and internal cut-off values, a variant classified as likely benign is not then subjected to further curation. The score for this variant resulted in a classification of likely benign for this disease.

Illumina Laboratory Services, Illumina
Classification: Likely benign for Schwartz-Jampel syndrome type 1. Last evaluated: 2018-01-13. Review status: criteria provided, single submitter. Criteria: ICSL Variant Classification Criteria 13 December 2019. Collection method: clinical testing. Allele origin: germline.
Comment: the same text as in the submission from Illumina Laboratory Services, Illumina above.

Eurofins Ntd Llc (ga)
Classification: Benign. Last evaluated: 2017-02-21. Review status: criteria provided, single submitter. Criteria: EGL Classification Definitions 2015. Collection method: clinical testing. Allele origin: germline. Observed: 1 variant allele, 1 heterozygote.